The following is an entry in ClinVar:

ClinVar aggregate classification (germline): Uncertain significance (1 of 4 stars; one submission).

Allele frequency attached by ClinVar (database versions not stated): ExAC 0.00001; TOPMed 0.00003; gnomAD 0.00001.
gnomAD v4.1: 10 of 1,606,940 alleles (0.00062%); highest among the groups gnomAD compares: Non-Finnish European, 0.00085%; no homozygotes.

Submission:

Labcorp Genetics (formerly Invitae), Labcorp
Classification: Uncertain significance. Last evaluated: 2021-07-13. Review status: criteria provided, single submitter. Criteria: Invitae Variant Classification Sherloc (09022015). Collection method: clinical testing. Allele origin: germline.
Comment: In summary, the available evidence is currently insufficient to determine the role of this variant in disease. Therefore, it has been classified as a Variant of Uncertain Significance. Algorithms developed to predict the effect of missense changes on protein structure and function (SIFT, PolyPhen-2, Align-GVGD) all suggest that this variant is likely to be tolerated. This variant has not been reported in the literature in individuals affected with RTTN-related conditions. This variant is present in population databases (rs760864208, ExAC 0.002%). This sequence change replaces valine with isoleucine at codon 1678 of the RTTN protein (p.Val1678Ile). The valine residue is moderately conserved and there is a small physicochemical difference between valine and isoleucine.

NM_173630.4(RTTN):c.5032G>A (p.Val1678Ile)

Gene: RTTN (rotatin; minus strand). Cytogenetic location: 18q22.2.
Variant type: single nucleotide variant.
Coding change: c.5032G>A on transcript NM_173630.4 (MANE Select); coding-DNA position 5032, G replaced by A.
Protein change: p.Val1678Ile; replaces valine 1678 with isoleucine.
Molecular consequence: missense variant.
Genome position (GRCh38, 1-based): chr18:70,054,284, C>T on the plus strand (G>A on the coding strand, the complement: RTTN is on the minus strand). VCF-style: chr18-70054284-C-T. GRCh37 (hg19) VCF-style: chr18-67721520-C-T.
Other names: c.2296G>A, p.Val766Ile (NM_001318520.2); short protein forms V1678I, V766I.
Identifiers: ClinVar variation 1523178 (VCV001523178.6), dbSNP rs760864208, ClinGen allele CA8995062.
Genomic context (GRCh38, chr18:70,054,284, plus strand): 5'-CCAATAAACATGACTGCAGAAGCCTGGACAAAGAGGATAGGTATTCCAGGAGAAAGGAAA[C>T]CTGTTTGAAAAGGAGACAGGGTCAAATCAAACATGCCATATAAAAAGCCCATCTCAGTGA-3'
Protein context (NP_775901.3, residues 1668-1688): SPPAEHTQAQ[Val1678Ile]SFLLEYLSSL